The following is an entry in ClinVar:

ClinVar aggregate classification (germline): Uncertain significance. Review status: criteria provided, multiple submitters, no conflicts (2 of 4 stars). 2 submissions from 2 submitters: Uncertain significance (2). Last evaluated 2024-09-11.

Conditions:
Cardiovascular phenotype. Identifiers: MedGen CN230736.
Dilated cardiomyopathy 1J (CMD1J). Also called: CARDIOMYOPATHY, DILATED, WITH SENSORINEURAL HEARING LOSS, AUTOSOMAL DOMINANT. Identifiers: Orphanet 217622, MedGen C1854368, MONDO:0011541, OMIM 605362.

Allele frequency attached by ClinVar (database versions not stated): gnomAD 0.00001.
gnomAD v4.1: 3 of 1,613,888 alleles (0.00019%); highest among the groups gnomAD compares: Non-Finnish European, 0.00025%; no homozygotes.

Submissions (2):

Labcorp Genetics (formerly Invitae), Labcorp
Classification: Uncertain significance for Dilated cardiomyopathy 1J. Last evaluated: 2024-09-11. Review status: criteria provided, single submitter. Criteria: Invitae Variant Classification Sherloc (09022015). Collection method: clinical testing. Allele origin: germline.
Comment: This sequence change replaces arginine, which is basic and polar, with glycine, which is neutral and non-polar, at codon 356 of the EYA4 protein (p.Arg356Gly). This variant is not present in population databases (gnomAD no frequency). This variant has not been reported in the literature in individuals affected with EYA4-related conditions. ClinVar contains an entry for this variant (Variation ID: 1444226). Invitae Evidence Modeling of protein sequence and biophysical properties (such as structural, functional, and spatial information, amino acid conservation, physicochemical variation, residue mobility, and thermodynamic stability) indicates that this missense variant is not expected to disrupt EYA4 protein function with a negative predictive value of 80%. In summary, the available evidence is currently insufficient to determine the role of this variant in disease. Therefore, it has been classified as a Variant of Uncertain Significance.

Ambry Genetics
Classification: Uncertain significance for Cardiovascular phenotype. Last evaluated: 2023-02-06. Review status: criteria provided, single submitter. Criteria: Ambry Variant Classification Scheme 2023. Collection method: clinical testing. Allele origin: germline.
Comment: The p.R356G variant (also known as c.1066C>G), located in coding exon 11 of the EYA4 gene, results from a C to G substitution at nucleotide position 1066. The arginine at codon 356 is replaced by glycine, an amino acid with dissimilar properties. This alteration has been reported in an arrhythmogenic right ventricular cardiomyopathy (ARVC) cohort (Fedida J et al. PLoS One, 2017 Aug;12:e0181840). This amino acid position is highly conserved in available vertebrate species. In addition, this alteration is predicted to be deleterious by in silico analysis. Since supporting evidence is limited at this time, the clinical significance of this alteration remains unclear.

Literature cited by the submitters: PubMed 28767663 (cited by Ambry Genetics).

NM_004100.5(EYA4):c.1066C>G (p.Arg356Gly)

Gene: EYA4 (EYA transcriptional coactivator and phosphatase 4; plus strand). Cytogenetic location: 6q23.2.
Variant type: single nucleotide variant.
Coding change: c.1066C>G on transcript NM_004100.5 (MANE Select); coding-DNA position 1066, C replaced by G.
Protein change: p.Arg356Gly; replaces arginine 356 with glycine.
Molecular consequence: missense variant.
Genome position (GRCh38, 1-based): chr6:133,481,558, C>G. VCF-style: chr6-133481558-C-G. GRCh37 (hg19) VCF-style: chr6-133802696-C-G.
Other names: c.904C>G, p.Arg302Gly (NM_001301012.2); c.1084C>G, p.Arg362Gly (NM_001301013.2); c.997C>G, p.Arg333Gly (NM_001370458.1, NM_172103.4); c.922C>G, p.Arg308Gly (NM_001370459.1); c.1066C>G, p.Arg356Gly (NM_172105.4); c.1066C>G (NM_004100.4); short protein forms R302G, R308G, R333G, R356G, R362G.
Identifiers: ClinVar variation 1444226 (VCV001444226.7), dbSNP rs776882781, ClinGen allele CA365706499.